The following is an entry in ClinVar:

ClinVar aggregate classification (germline): Uncertain significance (1 of 4 stars; one submission).

gnomAD v4.1: 2 of 1,607,184 alleles (0.00012%); highest among the groups gnomAD compares: Non-Finnish European, 0.000085%; no homozygotes.

Submission:

Ambry Genetics
Classification: Uncertain significance. Last evaluated: 2024-05-04. Review status: criteria provided, single submitter. Criteria: Ambry Variant Classification Scheme 2023. Collection method: clinical testing. Allele origin: germline.
Comment: The p.S922G variant (also known as c.2764A>G), located in coding exon 24 of the PRKDC gene, results from an A to G substitution at nucleotide position 2764. The serine at codon 922 is replaced by glycine, an amino acid with similar properties. This amino acid position is conserved. In addition, this alteration is predicted to be tolerated by in silico analysis. Based on the available evidence, the clinical significance of this variant remains unclear.

NM_006904.7(PRKDC):c.2764A>G (p.Ser922Gly)

Gene: PRKDC (protein kinase, DNA-activated, catalytic subunit; minus strand). Cytogenetic location: 8q11.21.
Variant type: single nucleotide variant.
Coding change: c.2764A>G on transcript NM_006904.7 (MANE Select); coding-DNA position 2764, A replaced by G.
Protein change: p.Ser922Gly; replaces serine 922 with glycine.
Molecular consequence: missense variant.
Genome position (GRCh38, 1-based): chr8:47,913,918, T>C on the plus strand (A>G on the coding strand, the complement: PRKDC is on the minus strand). VCF-style: chr8-47913918-T-C. GRCh37 (hg19) VCF-style: chr8-48826478-T-C.
Other names: c.2764A>G, p.Ser922Gly (NM_001081640.2); short protein forms S922G.
Identifiers: ClinVar variation 3310140 (VCV003310140.1).